The following is an entry in ClinVar:

ClinVar aggregate classification (germline): Pathogenic (1 of 4 stars; one submission).

Conditions:
Inborn genetic diseases. Identifiers: MedGen C0950123, MeSH D030342.

Submission:

Ambry Genetics
Classification: Pathogenic for Inborn genetic diseases. Last evaluated: 2024-09-16. Review status: criteria provided, single submitter. Criteria: Ambry Variant Classification Scheme 2023. Collection method: clinical testing. Allele origin: germline.
Comment: The c.802C>T (p.Q268*) alteration, located in exon 6 (coding exon 6) of the DYRK1A gene, consists of a C to T substitution at nucleotide position 802. This changes the amino acid from a glutamine (Q) to a stop codon at amino acid position 268. This alteration is expected to result in loss of function by premature protein truncation or nonsense-mediated mRNA decay. This variant was not reported in population-based cohorts in the Genome Aggregation Database (gnomAD). This variant has been determined to be the result of a de novo mutation in one individual with features consistent with DYRK1A-related neurodevelopmental disorder (Sukenik-Halevy, 2022). Based on the available evidence, this alteration is classified as pathogenic.

Literature cited by the submitters: PubMed 35032046.

NM_001347721.2(DYRK1A):c.775C>T (p.Gln259Ter)

Gene: DYRK1A (dual specificity tyrosine phosphorylation regulated kinase 1A; plus strand). Cytogenetic location: 21q22.13.
Variant type: single nucleotide variant.
Coding change: c.775C>T on transcript NM_001347721.2 (MANE Select); coding-DNA position 775, C replaced by T.
Protein change: p.Gln259Ter; replaces glutamine 259 with a stop codon.
Molecular consequence: nonsense.
Genome position (GRCh38, 1-based): chr21:37,490,312, C>T. VCF-style: chr21-37490312-C-T. GRCh37 (hg19) VCF-style: chr21-38862614-C-T.
Other names: c.775C>T, p.Gln259Ter (NM_001347722.2, NM_130436.2); c.688C>T, p.Gln230Ter (NM_001347723.2); c.802C>T, p.Gln268Ter (NM_001396.5, NM_101395.2, NM_130438.2); short protein forms Q259*, Q230*, Q268*.
Identifiers: ClinVar variation 3506140 (VCV003506140.1).